The following is an entry in ClinVar:

ClinVar aggregate classification (germline): Likely pathogenic (1 of 4 stars; one submission).

Allele frequency attached by ClinVar (database versions not stated): ExAC 0.00002; gnomAD 0.00003; TOPMed 0.00003; gnomAD exomes 0.00004.
gnomAD v4.1: 60 of 1,613,912 alleles (0.0037%); highest among the groups gnomAD compares: Non-Finnish European, 0.0045%; no homozygotes.

Submission:

Labcorp Genetics (formerly Invitae), Labcorp
Classification: Likely pathogenic. Last evaluated: 2024-02-17. Review status: criteria provided, single submitter. Criteria: Invitae Variant Classification Sherloc (09022015). Collection method: clinical testing. Allele origin: germline.
Comment: This sequence change affects a donor splice site in intron 13 of the OTOA gene. It is expected to disrupt RNA splicing. Variants that disrupt the donor or acceptor splice site typically lead to a loss of protein function (PMID: 16199547), and loss-of-function variants in OTOA are known to be pathogenic (PMID: 11972037). This variant is present in population databases (rs754520650, gnomAD 0.004%). This variant has not been reported in the literature in individuals affected with OTOA-related conditions. ClinVar contains an entry for this variant (Variation ID: 1982336). Algorithms developed to predict the effect of sequence changes on RNA splicing suggest that this variant may disrupt the consensus splice site. In summary, the currently available evidence indicates that the variant is pathogenic, but additional data are needed to prove that conclusively. Therefore, this variant has been classified as Likely Pathogenic.

Literature cited by the submitters: PubMed 16199547; PubMed 11972037.

NM_144672.4(OTOA):c.1488+2T>A

Gene: OTOA (otoancorin). Cytogenetic location: 16p12.2.
Variant type: single nucleotide variant.
Coding change: c.1488+2T>A on transcript NM_144672.4 (MANE Select); the canonical splice donor site of the intron after coding-DNA position 1488, T replaced by A.
Molecular consequence: splice donor variant.
Genome position (GRCh38, 1-based): chr16:21,715,154, T>A. VCF-style: chr16-21715154-T-A. GRCh37 (hg19) VCF-style: chr16-21726475-T-A.
Other names: c.1251+2T>A (NM_001161683.2); c.516+2T>A (NM_170664.3).
Identifiers: ClinVar variation 1982336 (VCV001982336.4), dbSNP rs754520650, ClinGen allele CA7952643.